The following is an entry in ClinVar:

ClinVar aggregate classification (germline): Benign. Review status: criteria provided, multiple submitters, no conflicts (2 of 4 stars). 3 submissions from 3 submitters: Benign (3). Last evaluated 2019-06-15.

Conditions:
Erythrocytosis, familial, 3 (ECYT3). Identifiers: Orphanet 247511, MedGen C1853286, MONDO:0012353, OMIM 609820.

Allele frequency attached by ClinVar (database versions not stated): 1000 Genomes Project 0.13798; 1000 Genomes Project 30x 0.14350; gnomAD 0.15952 and 0.16688; TOPMed 0.17496.

Submissions (3):

GeneDx
Classification: Benign. Last evaluated: 2019-06-15. Review status: criteria provided, single submitter. Criteria: GeneDx Variant Classification Process June 2021. Collection method: clinical testing. Allele origin: germline. Affected: yes.

Illumina Laboratory Services, Illumina
Classification: Benign for Erythrocytosis, familial, 3. Last evaluated: 2018-01-12. Review status: criteria provided, single submitter. Criteria: ICSL Variant Classification Criteria 13 December 2019. Collection method: clinical testing. Allele origin: germline.
Comment: This variant was observed in the ICSL laboratory as part of a predisposition screen in an ostensibly healthy population. It had not been previously curated by ICSL or reported in the Human Gene Mutation Database (HGMD: prior to June 1st, 2018), and was therefore a candidate for classification through an automated scoring system. Utilizing variant allele frequency, disease prevalence and penetrance estimates, and inheritance mode, an automated score was calculated to assess if this variant is too frequent to cause the disease. Based on the score and internal cut-off values, a variant classified as benign is not then subjected to further curation. The score for this variant resulted in a classification of benign for this disease.

Breakthrough Genomics
Classification: Benign. Review status: criteria provided, single submitter. Criteria: ACMG Guidelines, 2015. Collection method: not provided. Allele origin: germline. Inheritance: Autosomal dominant inheritance. Affected: yes.

NM_022051.2(EGLN1):c.-2923C>T

Gene: EGLN1 (egl-9 family hypoxia inducible factor 1; minus strand). Cytogenetic location: 1q42.2.
Variant type: single nucleotide variant.
Coding change: c.-2923C>T on transcript NM_022051.2; 2923 bases upstream of the start codon, C replaced by T.
Genome position (GRCh38, 1-based): chr1:231,424,811, G>A on the plus strand (C>T on the coding strand, the complement: EGLN1 is on the minus strand). VCF-style: chr1-231424811-G-A. GRCh37 (hg19) VCF-style: chr1-231560557-G-A.
Identifiers: ClinVar variation 296250 (VCV000296250.10), dbSNP rs1339894, ClinGen allele CA10609513.